The following is an entry in ClinVar:

NM_001098.3(ACO2):c.2227A>C (p.Lys743Gln)

Genes: ACO2 (aconitase 2; plus strand), POLR3H (RNA polymerase III subunit H; minus strand). Cytogenetic location: 22q13.2.
Variant type: single nucleotide variant.
Coding change: c.2227A>C on transcript NM_001098.3 (MANE Select); coding-DNA position 2227, A replaced by C.
Protein change: p.Lys743Gln; replaces lysine 743 with glutamine.
Molecular consequence: missense variant. On other transcripts: 3 prime UTR variant (5).
Genome position (GRCh38, 1-based): chr22:41,528,497, A>C. VCF-style: chr22-41528497-A-C. GRCh37 (hg19) VCF-style: chr22-41924501-A-C.
Other names: c.*786T>G (NM_001018050.4, NM_001018052.4, NM_001282884.2 and 2 more transcripts); short protein forms K743Q.
Identifiers: ClinVar variation 1519458 (VCV001519458.6), dbSNP rs2146158130, ClinGen allele CA411729553.

ClinVar aggregate classification (germline): Uncertain significance (1 of 4 stars; one submission).

Submission:

Labcorp Genetics (formerly Invitae), Labcorp
Classification: Uncertain significance. Last evaluated: 2022-07-19. Review status: criteria provided, single submitter. Criteria: Invitae Variant Classification Sherloc (09022015). Collection method: clinical testing. Allele origin: germline.
Comment: This variant has not been reported in the literature in individuals affected with ACO2-related conditions. In summary, the available evidence is currently insufficient to determine the role of this variant in disease. Therefore, it has been classified as a Variant of Uncertain Significance. Advanced modeling of protein sequence and biophysical properties (such as structural, functional, and spatial information, amino acid conservation, physicochemical variation, residue mobility, and thermodynamic stability) performed at Invitae indicates that this missense variant is expected to disrupt ACO2 protein function. ClinVar contains an entry for this variant (Variation ID: 1519458). This variant is not present in population databases (gnomAD no frequency). This sequence change replaces lysine, which is basic and polar, with glutamine, which is neutral and polar, at codon 743 of the ACO2 protein (p.Lys743Gln).